The following is an entry in ClinVar:

ClinVar aggregate classification (germline): Uncertain significance (1 of 4 stars; one submission).

Submission:

Women's Health and Genetics/Laboratory Corporation of America, LabCorp
Classification: Uncertain significance. Last evaluated: 2021-01-05. Review status: criteria provided, single submitter. Criteria: LabCorp Variant Classification Summary - May 2015. Collection method: clinical testing. Allele origin: germline.
Comment: Variant summary: AIRE c.884A>G (p.Asn295Ser) results in a conservative amino acid change in the encoded protein sequence. Four of five in-silico tools predict a damaging effect of the variant on protein function. The variant was absent in 250356 control chromosomes (gnomAD). The available data on variant occurrences in the general population are insufficient to allow any conclusion about variant significance. To our knowledge, no occurrence of c.884A>G in individuals affected with Autoimmune Polyglandular Syndrome Type 1 and no experimental evidence demonstrating its impact on protein function have been reported. No clinical diagnostic laboratories have submitted clinical-significance assessments for this variant to ClinVar after 2014. Based on the evidence outlined above, the variant was classified as uncertain significance.

NM_000383.4(AIRE):c.884A>G (p.Asn295Ser)

Gene: AIRE (autoimmune regulator; plus strand). Cytogenetic location: 21q22.3.
Variant type: single nucleotide variant.
Coding change: c.884A>G on transcript NM_000383.4 (MANE Select); coding-DNA position 884, A replaced by G.
Protein change: p.Asn295Ser; replaces asparagine 295 with serine.
Molecular consequence: missense variant.
Genome position (GRCh38, 1-based): chr21:44,291,099, A>G. VCF-style: chr21-44291099-A-G. GRCh37 (hg19) VCF-style: chr21-45710982-A-G.
Other names: short protein forms N295S.
Identifiers: ClinVar variation 996287 (VCV000996287.1), dbSNP rs2040534330, ClinGen allele CA410424796.
Genomic context (GRCh38, chr21:44,291,099, plus strand): 5'-TCAGGAGGGTGCTGCACCCCAGCCCAGTCTGCATGGGCGTCTCTTGCCTGTGCCAGAAGA[A>G]TGAGGACGAGTGTGCCGTGTGTCGGGACGGCGGGGAGCTCATCTGCTGTGACGGCTGCCC-3'
Protein context (NP_000374.1, residues 285-305): LPSDPQLHQK[Asn295Ser]EDECAVCRDG